The following is an entry in ClinVar:

NM_000202.8(IDS):c.113dup (p.Asn38fs)

Gene: IDS (iduronate 2-sulfatase; minus strand). Cytogenetic location: Xq28.
Variant type: Duplication.
Coding change: c.113dup on transcript NM_000202.8 (MANE Select); coding-DNA position 113, one base duplicated (A; older notation c.113dupA).
Protein change: p.Asn38fs; shifts the reading frame from asparagine 38.
Molecular consequence: frameshift variant. On other transcripts: 5 prime UTR variant (1), non-coding transcript variant (1).
Genome position (GRCh38, 1-based): chrX:149,504,284, T duplicated on the plus strand (A on the coding strand, the reverse complement: IDS is on the minus strand); the first of 2 consecutive T bases (chrX:149,504,284-149,504,285); duplicating either gives the same sequence. VCF-style (leftmost placement, unchanged base first): chrX-149504283-G-GT. GRCh37 (hg19) VCF-style: chrX-148585813-G-GT.
Other names: c.-114dup (NM_001166550.4); c.113dup, p.Asn38fs (NM_006123.5); short protein forms N38fs.
Identifiers: ClinVar variation 3255774 (VCV003255774.2).
Genomic context (GRCh38, chrX:149,504,283, plus strand): 5'-CAGCTTATCCCCATAACAGCCCAGGGAGGGGCGCAGGTCATCCACGATGATGAGAAGAAC[G>GT]TTCAGAGCATCTACACAGGAGGGAGGGGCTTTGGTGAGGTAACCTGCACTGACACTGAAC-3'

ClinVar aggregate classification (germline): Pathogenic (1 of 4 stars; one submission).

Conditions:
Mucopolysaccharidosis, MPS-II (MPS2). Also called: Hunter Syndrome; IDURONATE 2-SULFATASE DEFICIENCY; Mucopolysaccharidosis Type II; Mucopolysaccharidosis type 2; Attenuated MPS (subtype; formerly known as mild MPS II); Severe MPS II. Identifiers: Orphanet 580, Orphanet 79388, MedGen C0026705, MONDO:0010674, OMIM 309900.

Submission:

Laboratory of Diagnosis and Therapy of Lysosomal Disorders, University of Padova
Classification: Pathogenic for Mucopolysaccharidosis, MPS-II. Last evaluated: 2024-06-07. Review status: criteria provided, single submitter. Criteria: ACMG Guidelines, 2015. Collection method: literature only. Allele origin: germline. Affected: yes. Observed: 1 variant allele.
Comment: Null variant (PVS1_VeryStrong), Absent from controls (or at low frequency) in gnomAD database (PM2_Moderate), Patient’s phenotype or family history highly specific for the disease (PP4_Strong)

Classification method: ACMG Guidelines [PMID:25741868] with modifications

Literature cited by the submitters: PubMed 9762601.